The following is an entry in ClinVar:

NM_001039469.3(MARK2):c.1514+2T>G

Gene: MARK2 (microtubule affinity regulating kinase 2; plus strand). Cytogenetic location: 11q13.1.
Variant type: single nucleotide variant.
Coding change: c.1514+2T>G on transcript NM_001039469.3 (MANE Select); the canonical splice donor site of the intron after coding-DNA position 1514, T replaced by G.
Molecular consequence: splice donor variant.
Genome position (GRCh38, 1-based): chr11:63,903,160, T>G. VCF-style: chr11-63903160-T-G. GRCh37 (hg19) VCF-style: chr11-63670632-T-G.
Other names: c.1514+2T>G (NM_001163296.2); c.1511+2T>G (NM_004954.5, NM_001163297.2); c.1412+2T>G (NM_017490.4).
Identifiers: ClinVar variation 3253630 (VCV003253630.2), dbSNP rs2539330444.
Genomic context (GRCh38, chr11:63,903,160, plus strand): 5'-TCCCCACTTTTGGAGCGGGCCAGCCTCGGCCAGGCCTCCATCCAGAATGGCAAAGACAGG[T>G]GAGAGACCCGGGCCCTGCCTGCCTCACTCCCTAGGAGCCATGTCTCACAGGGTGATGTCT-3'

ClinVar aggregate classification (germline): Likely pathogenic (0 of 4 stars; one submission).

Conditions:
Autism spectrum disorder. Also called: Autism spectrum disorders. Identifiers: MedGen C1510586, MeSH D000067877, MONDO:0005258.

Submission:

Department of Medical Genetics, Capital Institute of Pediatrics
Classification: Likely pathogenic for Autism Spectrum Disorder. Last evaluated: 2024-07-03. Review status: no assertion criteria provided. Collection method: research. Allele origin: unknown. Affected: yes.
Comment: PVS1+PM2_Supporting

Literature cited by the submitters: PubMed 39419027.